The following is an entry in ClinVar:

ClinVar aggregate classification (germline): Uncertain significance (1 of 4 stars; one submission).

Conditions:
Early-infantile DEE. Also called: Ohtahara syndrome; Early infantile epileptic encephalopathy; Early infantile epileptic encephalopathy with suppression bursts. Identifiers: Orphanet 1934, MedGen C0393706, MONDO:0800491.

Allele frequency attached by ClinVar (database versions not stated): gnomAD exomes below 0.00001.
gnomAD v4.1: 1 of 1,599,264 alleles (0.000063%); highest among the groups gnomAD compares: Admixed American, 0.0018%; no homozygotes.

Submission:

Labcorp Genetics (formerly Invitae), Labcorp
Classification: Uncertain significance for Early-infantile DEE. Last evaluated: 2024-01-17. Review status: criteria provided, single submitter. Criteria: Invitae Variant Classification Sherloc (09022015). Collection method: clinical testing. Allele origin: germline.
Comment: This sequence change replaces arginine, which is basic and polar, with cysteine, which is neutral and slightly polar, at codon 608 of the SCN8A protein (p.Arg608Cys). This variant is not present in population databases (gnomAD no frequency). This missense change has been observed in individual(s) with SCN8A-related conditions (PMID: 33004838). Advanced modeling of protein sequence and biophysical properties (such as structural, functional, and spatial information, amino acid conservation, physicochemical variation, residue mobility, and thermodynamic stability) has been performed at Invitae for this missense variant, however the output from this modeling did not meet the statistical confidence thresholds required to predict the impact of this variant on SCN8A protein function. In summary, the available evidence is currently insufficient to determine the role of this variant in disease. Therefore, it has been classified as a Variant of Uncertain Significance.

Literature cited by the submitters: PubMed 33004838.

NM_001330260.2(SCN8A):c.1822C>T (p.Arg608Cys)

Gene: SCN8A (sodium voltage-gated channel alpha subunit 8; plus strand). Cytogenetic location: 12q13.13.
Variant type: single nucleotide variant.
Coding change: c.1822C>T on transcript NM_001330260.2 (MANE Select); coding-DNA position 1822, C replaced by T.
Protein change: p.Arg608Cys; replaces arginine 608 with cysteine.
Molecular consequence: missense variant.
Genome position (GRCh38, 1-based): chr12:51,721,732, C>T. VCF-style: chr12-51721732-C-T. GRCh37 (hg19) VCF-style: chr12-52115516-C-T.
Other names: c.1822C>T, p.Arg608Cys (NM_001177984.3, NM_001369788.1, NM_014191.4); short protein forms R608C.
Identifiers: ClinVar variation 2780248 (VCV002780248.3), dbSNP rs2540204172, ClinGen allele CA385229663.
Genomic context (GRCh38, chr12:51,721,732, plus strand): 5'-CACAGCACGGTGGAGGAGAGCGAGGGCCGCCGGGACTCCCTCTTCATCCCCATCCGGGCC[C>T]GCGAGCGCCGGAGCAGCTACAGCGGCTACAGCGGCTACAGCCAGGGCAGCCGCTCCTCGC-3'
Protein context (NP_001317189.1, residues 598-618): RDSLFIPIRA[Arg608Cys]ERRSSYSGYS